The following is an entry in ClinVar:

Conditions:
Breast-ovarian cancer, familial, susceptibility to, 1 (BROVCA1). Also called: BRCA1 Hereditary Breast and Ovarian Cancer; OVARIAN CANCER, SUSCEPTIBILITY TO. Identifiers: Orphanet 145, MedGen C2676676, MONDO:0011450, OMIM 604370. Disease mechanism: loss of function.

Submission:

Brotman Baty Institute, University of Washington
No classification provided (evidence only). Condition: Breast-ovarian cancer, familial 1. Review status: no classification provided. Collection method: in vitro. Allele origin: not applicable. Functional consequence: functionally_normal.
ClinVar note: "not provided" was previously submitted as the classification for the variant. However, the classification appeared to be based only on an observation of functional data so it was converted to no classification on 2025-07-30.

NM_007294.4(BRCA1):c.4905G>C (p.Glu1635Asp)

Gene: BRCA1 (BRCA1 DNA repair associated; minus strand). Cytogenetic location: 17q21.31.
Variant type: single nucleotide variant.
Coding change: c.4905G>C on transcript NM_007294.4 (MANE Select); coding-DNA position 4905, G replaced by C.
Protein change: p.Glu1635Asp; replaces glutamic acid 1635 with aspartic acid.
Molecular consequence: missense variant. On other transcripts: non-coding transcript variant (1).
Genome position (GRCh38, 1-based): chr17:43,071,009, C>G on the plus strand (G>C on the coding strand, the complement: BRCA1 is on the minus strand). VCF-style: chr17-43071009-C-G. GRCh37 (hg19) VCF-style: chr17-41223026-C-G.
Other names: c.4635G>C, p.Glu1545Asp (NM_001407934.1, NM_001407935.1, NM_001407936.1); c.4761G>C, p.Glu1587Asp (NM_001407945.1, NM_001407734.1, NM_001407735.1 and 21 more transcripts); c.4572G>C, p.Glu1524Asp (NM_001407946.1, NM_001407947.1, NM_001407948.1 and 1 more transcripts); c.4569G>C, p.Glu1523Asp (NM_001407950.1, NM_001407951.1, NM_001407952.1 and 3 more transcripts); c.4398G>C, p.Glu1466Asp (NM_001407965.1); c.4017G>C, p.Glu1339Asp (NM_001407966.1); c.4014G>C, p.Glu1338Asp (NM_001407967.1); c.2301G>C, p.Glu767Asp (NM_001407968.1); and 70 more; short protein forms E1635D, E531D, E1588D, E1656D, E1506D, E1508D, E1522D, E1547D.
Identifiers: ClinVar variation 868842 (VCV000868842.3), dbSNP rs2052383010, ClinGen allele CA10591715.